The following is an entry in ClinVar:

NM_000419.5(ITGA2B):c.797G>A (p.Trp266Ter)

Gene: ITGA2B (integrin subunit alpha 2b; minus strand). Cytogenetic location: 17q21.31.
Variant type: single nucleotide variant.
Coding change: c.797G>A on transcript NM_000419.5 (MANE Select); coding-DNA position 797, G replaced by A.
Protein change: p.Trp266Ter; replaces tryptophan 266 with a stop codon.
Molecular consequence: nonsense.
Genome position (GRCh38, 1-based): chr17:44,384,950, C>T on the plus strand (G>A on the coding strand, the complement: ITGA2B is on the minus strand). VCF-style: chr17-44384950-C-T. GRCh37 (hg19) VCF-style: chr17-42462318-C-T.
Other names: short protein forms W266*.
Identifiers: ClinVar variation 3891410 (VCV003891410.2).

ClinVar aggregate classification (germline): Likely pathogenic. Review status: criteria provided, multiple submitters, no conflicts (2 of 4 stars). 2 submissions from 2 submitters: Likely pathogenic (2). Last evaluated 2025-04-22.

Conditions:
Glanzmann thrombasthenia 1 (GT1). Also called: BLEEDING DISORDER, PLATELET-TYPE, 2; GP IIb-IIIa COMPLEX DEFICIENCY; GLYCOPROTEIN COMPLEX IIb-IIIa DEFICIENCY; PLATELET FIBRINOGEN RECEPTOR DEFICIENCY. Identifiers: MedGen CN300358, MONDO:0031332, OMIM 273800.
Platelet-type bleeding disorder 16 (BDPLT16). Also called: Bleeding disorder, platelet-type, 16, autosomal dominant. Identifiers: Orphanet 140957, MedGen C5442010, MONDO:0008552, OMIM 187800.

Submissions (2):

GeneDx
Classification: Likely pathogenic. Last evaluated: 2025-04-22. Review status: criteria provided, single submitter. Criteria: GeneDx Variant Classification Process June 2021. Collection method: clinical testing. Allele origin: germline. Affected: yes.
Comment: Nonsense variant predicted to result in protein truncation or nonsense mediated decay in a gene for which loss of function is a known mechanism of disease; Not observed at significant frequency in large population cohorts (gnomAD); Has not been previously published as pathogenic or benign to our knowledge

Department of Pathology and Laboratory Medicine, Sinai Health System
Classification: Likely pathogenic for Platelet-type bleeding disorder 16; Glanzmann thrombasthenia 1. Last evaluated: 2022-11-19. Review status: criteria provided, single submitter. Criteria: ACMG Guidelines, 2015. Collection method: research. Allele origin: germline.